The following is an entry in ClinVar:

ClinVar aggregate classification (germline): Uncertain significance (1 of 4 stars; one submission).

Allele frequency attached by ClinVar (database versions not stated): ExAC 0.00001; ESP Exome Variant Server 0.00008.

Submission:

Labcorp Genetics (formerly Invitae), Labcorp
Classification: Uncertain significance. Last evaluated: 2024-12-09. Review status: criteria provided, single submitter. Criteria: Invitae Variant Classification Sherloc (09022015). Collection method: clinical testing. Allele origin: germline.
Comment: This sequence change replaces leucine, which is neutral and non-polar, with histidine, which is basic and polar, at codon 964 of the DMXL2 protein (p.Leu964His). This variant is present in population databases (rs373891521, gnomAD 0.0009%). This variant has not been reported in the literature in individuals affected with DMXL2-related conditions. ClinVar contains an entry for this variant (Variation ID: 2002386). An algorithm developed to predict the effect of missense changes on protein structure and function (PolyPhen-2) suggests that this variant is likely to be disruptive. In summary, the available evidence is currently insufficient to determine the role of this variant in disease. Therefore, it has been classified as a Variant of Uncertain Significance.

NM_001378457.1(DMXL2):c.2891T>A (p.Leu964His)

Gene: DMXL2 (Dmx like 2; minus strand). Cytogenetic location: 15q21.2.
Variant type: single nucleotide variant.
Coding change: c.2891T>A on transcript NM_001378457.1 (MANE Select); coding-DNA position 2891, T replaced by A.
Protein change: p.Leu964His; replaces leucine 964 with histidine.
Molecular consequence: missense variant. On other transcripts: non-coding transcript variant (2), intron variant (2).
Genome position (GRCh38, 1-based): chr15:51,502,907, A>T on the plus strand (T>A on the coding strand, the complement: DMXL2 is on the minus strand). VCF-style: chr15-51502907-A-T. GRCh37 (hg19) VCF-style: chr15-51795104-A-T.
Other names: c.2891T>A, p.Leu964His (NM_001174116.3, NM_001378458.1, NM_001378459.1 and 4 more transcripts); c.2651T>A, p.Leu884His (NM_001378464.1); c.2764+4227T>A (NM_001378460.1, NM_001174117.3); short protein forms L884H, L964H.
Identifiers: ClinVar variation 2002386 (VCV002002386.4), dbSNP rs373891521, ClinGen allele CA7562229.
Genomic context (GRCh38, chr15:51,502,907, plus strand): 5'-AGATCAAGGGGTTGGCTATACACCAGTCTAGAACTCAGAATAAGTTTACTGGCAGTTTGA[A>T]GATTGGCAATTGATGAAGAATGTGGCATGGGGCTCACACTAGGAGAGGTTTCTGGAGAAG-3'
Protein context (NP_001365386.1, residues 954-974): PMPHSSSIAN[Leu964His]QTASKLILSS